The following is an entry in ClinVar:

NM_024757.5(EHMT1):c.3583_3594del (p.Val1195_Phe1198del)

Gene: EHMT1 (euchromatic histone lysine methyltransferase 1; plus strand). Cytogenetic location: 9q34.3.
Variant type: Deletion.
Coding change: c.3583_3594del on transcript NM_024757.5 (MANE Select); coding-DNA positions 3583 to 3594, 12 bases deleted (GTCAGCCGGTTC).
Protein change: p.Val1195_Phe1198del.
Molecular consequence: inframe deletion.
Genome position (GRCh38, 1-based): chr9:137,834,391-137,834,402, GTCAGCCGGTTC deleted; deleting any 12 consecutive bases within chr9:137,834,390-137,834,402 gives the same sequence; the c. name uses the placement nearest the transcript's 3' end. VCF-style (leftmost placement, unchanged base first): chr9-137834389-ACGTCAGCCGGTT-A. GRCh37 (hg19) VCF-style: chr9-140728841-ACGTCAGCCGGTT-A.
Other names: c.3562_3573del, p.Val1188_Phe1191del (NM_001354263.2).
Identifiers: ClinVar variation 435046 (VCV000435046.7), dbSNP rs1554908290, ClinGen allele CA645372875.

ClinVar aggregate classification (germline): Pathogenic/Likely pathogenic. Review status: criteria provided, multiple submitters, no conflicts (2 of 4 stars). 2 submissions from 2 submitters: Pathogenic (1); Likely pathogenic (1). Last evaluated 2016-08-09.

Conditions:
Kleefstra syndrome 1 (KLEFS1). Identifiers: Orphanet 261494, MedGen C0795833, MONDO:0027407, OMIM 610253.

Submissions (2):

Genetic Services Laboratory, University of Chicago
Classification: Likely pathogenic for Kleefstra syndrome. Last evaluated: 2016-08-09. Review status: criteria provided, single submitter. Criteria: ACMG Guidelines, 2015. Collection method: clinical testing. Allele origin: germline. Affected: yes.

Laboratory of Genetics, Children's Clinical University Hospital Latvia
Classification: Pathogenic for Kleefstra syndrome 1. Review status: criteria provided, single submitter. Criteria: ACMG Guidelines, 2015. Collection method: curation. Allele origin: inherited. Affected: yes.

Literature cited by the submitters: PubMed 39013458 (cited by Laboratory of Genetics, Children's Clinical University Hospital Latvia).